The following is an entry in ClinVar:

NM_001378687.1(ATP2C1):c.2185C>G (p.Leu729Val)

Gene: ATP2C1 (ATPase secretory pathway Ca2+ transporting 1; plus strand). Cytogenetic location: 3q22.1.
Variant type: single nucleotide variant.
Coding change: c.2185C>G on transcript NM_001378687.1 (MANE Select); coding-DNA position 2185, C replaced by G.
Protein change: p.Leu729Val; replaces leucine 729 with valine.
Molecular consequence: missense variant.
Genome position (GRCh38, 1-based): chr3:130,996,738, C>G. VCF-style: chr3-130996738-C-G. GRCh37 (hg19) VCF-style: chr3-130715582-C-G.
Other names: c.2185C>G, p.Leu729Val (NM_001001485.3, NM_001001486.2, NM_001001487.2 and 5 more transcripts); c.2287C>G, p.Leu763Val (NM_001199180.2, NM_001199181.3, NM_001378511.1); c.2170C>G, p.Leu724Val (NM_001199182.2); c.2137C>G, p.Leu713Val (NM_001199183.2, NM_001199184.3, NM_001378514.1); short protein forms L724V, L713V, L763V, L729V.
Identifiers: ClinVar variation 1506843 (VCV001506843.6), dbSNP rs371236506, ClinGen allele CA2615332.

ClinVar aggregate classification (germline): Uncertain significance (1 of 4 stars; one submission).

Allele frequency attached by ClinVar (database versions not stated): gnomAD 0.00002; TOPMed 0.00002; gnomAD exomes 0.00004 and 0.00007; ExAC 0.00005; ESP Exome Variant Server 0.00008.
gnomAD v4.1: 99 of 1,613,442 alleles (0.0061%); highest among the groups gnomAD compares: Non-Finnish European, 0.0076%; no homozygotes.

Submission:

Labcorp Genetics (formerly Invitae), Labcorp
Classification: Uncertain significance. Last evaluated: 2022-07-05. Review status: criteria provided, single submitter. Criteria: Invitae Variant Classification Sherloc (09022015). Collection method: clinical testing. Allele origin: germline.
Comment: This sequence change replaces leucine, which is neutral and non-polar, with valine, which is neutral and non-polar, at codon 729 of the ATP2C1 protein (p.Leu729Val). This variant is present in population databases (rs371236506, gnomAD 0.009%). This variant has not been reported in the literature in individuals affected with ATP2C1-related conditions. ClinVar contains an entry for this variant (Variation ID: 1506843). Advanced modeling of protein sequence and biophysical properties (such as structural, functional, and spatial information, amino acid conservation, physicochemical variation, residue mobility, and thermodynamic stability) performed at Invitae indicates that this missense variant is expected to disrupt ATP2C1 protein function. Algorithms developed to predict the effect of sequence changes on RNA splicing suggest that this variant may disrupt the consensus splice site. In summary, the available evidence is currently insufficient to determine the role of this variant in disease. Therefore, it has been classified as a Variant of Uncertain Significance.